The following is an entry in ClinVar:

NM_000245.4(MET):c.2398T>A (p.Cys800Ser)

Gene: MET (MET proto-oncogene, receptor tyrosine kinase; plus strand). Cytogenetic location: 7q31.2.
Variant type: single nucleotide variant.
Coding change: c.2398T>A on transcript NM_000245.4 (MANE Select); coding-DNA position 2398, T replaced by A.
Protein change: p.Cys800Ser; replaces cysteine 800 with serine.
Molecular consequence: missense variant.
Genome position (GRCh38, 1-based): chr7:116,763,083, T>A. VCF-style: chr7-116763083-T-A. GRCh37 (hg19) VCF-style: chr7-116403137-T-A.
Other names: c.2452T>A, p.Cys818Ser (NM_001127500.3); c.2398T>A, p.Cys800Ser (NM_001324401.3); c.1108T>A, p.Cys370Ser (NM_001324402.2); short protein forms C800S, C818S, C370S.
Identifiers: ClinVar variation 2844409 (VCV002844409.3), dbSNP rs1794460713, ClinGen allele CA368982994.
Genomic context (GRCh38, chr7:116,763,083, plus strand): 5'-ACAGTGGATAATTGTGTCTTTCTCTAGGCATGTCAACATCGCTCTAATTCAGAGATAATC[T>A]GTTGTACCACTCCTTCCCTGCAACAGCTGAATCTGCAACTCCCCCTGAAAACCAAAGCCT-3'
Protein context (NP_000236.2, residues 790-810): CQHRSNSEII[Cys800Ser]CTTPSLQQLN

ClinVar aggregate classification (germline): Uncertain significance (1 of 4 stars; one submission).

Conditions:
Renal cell carcinoma. Identifiers: Orphanet 217071, MedGen C0007134, MeSH D002292, MONDO:0005086, HP:0005584.

Allele frequency attached by ClinVar (database versions not stated): TOPMed below 0.00001.

Submission:

Labcorp Genetics (formerly Invitae), Labcorp
Classification: Uncertain significance for Renal cell carcinoma. Last evaluated: 2023-04-06. Review status: criteria provided, single submitter. Criteria: Invitae Variant Classification Sherloc (09022015). Collection method: clinical testing. Allele origin: germline.
Comment: Advanced modeling of protein sequence and biophysical properties (such as structural, functional, and spatial information, amino acid conservation, physicochemical variation, residue mobility, and thermodynamic stability) has been performed at Invitae for this missense variant, however the output from this modeling did not meet the statistical confidence thresholds required to predict the impact of this variant on MET protein function. In summary, the available evidence is currently insufficient to determine the role of this variant in disease. Therefore, it has been classified as a Variant of Uncertain Significance. This variant has not been reported in the literature in individuals affected with MET-related conditions. This variant is not present in population databases (gnomAD no frequency). This sequence change replaces cysteine, which is neutral and slightly polar, with serine, which is neutral and polar, at codon 818 of the MET protein (p.Cys818Ser).